The following is an entry in ClinVar:

NM_004539.4(NARS1):c.789G>A (p.Arg263=)

Gene: NARS1 (asparaginyl-tRNA synthetase 1; minus strand). Cytogenetic location: 18q21.31.
Variant type: single nucleotide variant.
Coding change: c.789G>A on transcript NM_004539.4 (MANE Select); coding-DNA position 789, G replaced by A.
Protein change: p.Arg263=; no amino-acid change (arginine 263 retained).
Molecular consequence: synonymous variant.
Genome position (GRCh38, 1-based): chr18:57,607,456, C>T on the plus strand (G>A on the coding strand, the complement: NARS1 is on the minus strand). VCF-style: chr18-57607456-C-T. GRCh37 (hg19) VCF-style: chr18-55274688-C-T.
Identifiers: ClinVar variation 2648753 (VCV002648753.24), dbSNP rs148784742, ClinGen allele CA8973622.

ClinVar aggregate classification (germline): Likely benign (1 of 4 stars; one submission).

Allele frequency attached by ClinVar (database versions not stated): TOPMed 0.00014; 1000 Genomes Project 30x 0.00016; gnomAD 0.00017; 1000 Genomes Project 0.00020; ESP Exome Variant Server 0.00023; ExAC 0.00062.
gnomAD v4.1: 601 of 1,614,006 alleles (0.037%); highest among the groups gnomAD compares: South Asian, 0.31%; 5 homozygotes.

Submission:

CeGaT Center for Human Genetics Tuebingen
Classification: Likely benign. Last evaluated: 2024-11-01. Review status: criteria provided, single submitter. Criteria: CeGaT Center For Human Genetics Tuebingen Variant Classification Criteria Version 2. Collection method: clinical testing. Allele origin: germline. Affected: yes. Observed: 3 variant alleles.
Comment: NARS1: BP4, BS2